The following is an entry in ClinVar:

ClinVar aggregate classification (germline): Uncertain significance (1 of 4 stars; one submission).

Submission:

Labcorp Genetics (formerly Invitae), Labcorp
Classification: Uncertain significance. Last evaluated: 2023-11-29. Review status: criteria provided, single submitter. Criteria: Invitae Variant Classification Sherloc (09022015). Collection method: clinical testing. Allele origin: germline.
Comment: This sequence change replaces aspartic acid, which is acidic and polar, with glycine, which is neutral and non-polar, at codon 922 of the MKL1 protein (p.Asp922Gly). This variant is not present in population databases (gnomAD no frequency). This variant has not been reported in the literature in individuals affected with MKL1-related conditions. An algorithm developed to predict the effect of missense changes on protein structure and function (PolyPhen-2) suggests that this variant is likely to be disruptive. Algorithms developed to predict the effect of sequence changes on RNA splicing suggest that this variant may create or strengthen a splice site. In summary, the available evidence is currently insufficient to determine the role of this variant in disease. Therefore, it has been classified as a Variant of Uncertain Significance.

NM_020831.6(MRTFA):c.3065A>G (p.Asp1022Gly)

Gene: MRTFA (myocardin related transcription factor A; minus strand). Cytogenetic location: 22q13.1.
Variant type: single nucleotide variant.
Coding change: c.3065A>G on transcript NM_020831.6 (MANE Select); coding-DNA position 3065, A replaced by G.
Protein change: p.Asp1022Gly; replaces aspartic acid 1022 with glycine.
Molecular consequence: missense variant. On other transcripts: 3 prime UTR variant (1).
Genome position (GRCh38, 1-based): chr22:40,411,421, T>C on the plus strand (A>G on the coding strand, the complement: MRTFA is on the minus strand). VCF-style: chr22-40411421-T-C. GRCh37 (hg19) VCF-style: chr22-40807425-T-C.
Other names: c.2765A>G, p.Asp922Gly (NM_001282660.2); c.2915A>G, p.Asp972Gly (NM_001282661.3); c.*378A>G (NM_001282662.3); c.2870A>G, p.Asp957Gly (NM_001318139.2); short protein forms D957G, D922G, D1022G, D972G.
Identifiers: ClinVar variation 2699742 (VCV002699742.3), dbSNP rs2518480031, ClinGen allele CA411651040.
Genomic context (GRCh38, chr22:40,411,421, plus strand): 5'-CCTTCCCCACCCCGTCTTGAGCCAGAGAGCTACAAGCAGGAATCCCAGTGCAGCTGCAAA[T>C]CATGGCCATCGAGGAAGTCTGTGGAGAAGAGGCTGGGGGCTGTGGTGCTGAGGGGGGCTA-3'
Protein context (NP_065882.2, residues 1012-1031): LFSTDFLDGH[Asp1022Gly]LQLHWDSCL